The following is an entry in ClinVar:

ClinVar aggregate classification (germline): Likely benign. Review status: criteria provided, multiple submitters, no conflicts (2 of 4 stars). 3 submissions from 3 submitters: Likely benign (3). Last evaluated 2025-12-22.

Conditions:
Infantile neuroaxonal dystrophy (NBIA2A). Also called: Infantile neuroaxonal dystrophy 1; NEURODEGENERATION WITH BRAIN IRON ACCUMULATION 2A; SEITELBERGER DISEASE. Identifiers: Orphanet 35069, MedGen C0270724, MONDO:0024457, OMIM 256600.

Allele frequency attached by ClinVar (database versions not stated): gnomAD 0.00003 and 0.00005; TOPMed 0.00005; ExAC 0.00014.
gnomAD v4.1: 55 of 1,611,978 alleles (0.0034%); highest among the groups gnomAD compares: Admixed American, 0.075%; no homozygotes.

Submissions (3):

Labcorp Genetics (formerly Invitae), Labcorp
Classification: Likely benign for Infantile neuroaxonal dystrophy. Last evaluated: 2025-12-22. Review status: criteria provided, single submitter. Criteria: Invitae Variant Classification Sherloc (09022015). Collection method: clinical testing. Allele origin: germline.

CeGaT Center for Human Genetics Tuebingen
Classification: Likely benign. Last evaluated: 2025-03-01. Review status: criteria provided, single submitter. Criteria: CeGaT Center For Human Genetics Tuebingen Variant Classification Criteria Version 2. Collection method: clinical testing. Allele origin: germline. Affected: yes. Observed: 1 variant allele.
Comment: PLA2G6: BP4, BP7

Breakthrough Genomics
Classification: Likely benign. Review status: criteria provided, single submitter. Criteria: ACMG Guidelines, 2015. Collection method: not provided. Allele origin: germline. Inheritance: Autosomal recessive inheritance. Affected: yes.

NM_003560.4(PLA2G6):c.226T>C (p.Leu76=)

Gene: PLA2G6 (phospholipase A2 group VI; minus strand). Cytogenetic location: 22q13.1.
Variant type: single nucleotide variant.
Coding change: c.226T>C on transcript NM_003560.4 (MANE Select); coding-DNA position 226, T replaced by C.
Protein change: p.Leu76=; no amino-acid change (leucine 76 retained).
Molecular consequence: synonymous variant. On other transcripts: 5 prime UTR variant (3).
Genome position (GRCh38, 1-based): chr22:38,145,637, A>G on the plus strand (T>C on the coding strand, the complement: PLA2G6 is on the minus strand). VCF-style: chr22-38145637-A-G. GRCh37 (hg19) VCF-style: chr22-38541644-A-G.
Other names: c.226T>C, p.Leu76= (NM_001004426.3, NM_001199562.3, NM_001349864.2 and 2 more transcripts); c.-309T>C (NM_001349867.2, NM_001349869.2); c.-265T>C (NM_001349868.2).
Identifiers: ClinVar variation 767508 (VCV000767508.17), dbSNP rs201134327, ClinGen allele CA10231309.
Genomic context (GRCh38, chr22:38,145,637, plus strand): 5'-CATAGAAGGGTAGCAGCTGGGAAGAATACTGATGGAAATTCACTAGGGCGTCAGCCTCCA[A>G]CTCCAGCTGGAAGAGTCTGTAGAGCCAGGACAGAGGAGCAAGACCCGAAATGAGTAAGGC-3'
Protein context (NP_003551.2, residues 66-86): QSGFRLFQLE[Leu76=]EADALVNFHQ